The following is an entry in ClinVar:

NM_001042492.3(NF1):c.7651A>G (p.Thr2551Ala)

Gene: NF1 (neurofibromin 1; plus strand). Cytogenetic location: 17q11.2.
Variant type: single nucleotide variant.
Coding change: c.7651A>G on transcript NM_001042492.3 (MANE Select); coding-DNA position 7651, A replaced by G.
Protein change: p.Thr2551Ala; replaces threonine 2551 with alanine.
Molecular consequence: missense variant.
Genome position (GRCh38, 1-based): chr17:31,356,495, A>G. VCF-style: chr17-31356495-A-G. GRCh37 (hg19) VCF-style: chr17-29683513-A-G.
Other names: c.7588A>G, p.Thr2530Ala (NM_000267.4); short protein forms T2530A, T2551A.
Identifiers: ClinVar variation 1439403 (VCV001439403.8), dbSNP rs2151581089, ClinGen allele CA399018051.
Genomic context (GRCh38, chr17:31,356,495, plus strand): 5'-GCATATTCTTAACTTTTGTTTATAGGAACAAGGAAAAGTTTTGATCACTTGATATCAGAC[A>G]CAAAGGCTCCTAAAAGGCAAGAAATGGAATCAGGGATCACAACACCCCCCAAAATGAGGA-3'
Protein context (NP_001035957.1, residues 2541-2561): RKSFDHLISD[Thr2551Ala]KAPKRQEMES

ClinVar aggregate classification (germline): Uncertain significance. Review status: criteria provided, multiple submitters, no conflicts (2 of 4 stars). 2 submissions from 2 submitters: Uncertain significance (2). Last evaluated 2024-08-20.

Conditions:
Cardiovascular phenotype. Identifiers: MedGen CN230736.
Hereditary cancer-predisposing syndrome. Also called: Neoplastic Syndromes, Hereditary; Hereditary Cancer Syndrome; Tumor predisposition; Hereditary neoplastic syndrome. Identifiers: Orphanet 140162, MedGen C0027672, MeSH D009386, MONDO:0015356.
Neurofibromatosis, type 1 (NF1). Also called: Peripheral type neurofibromatosis; VON RECKLINGHAUSEN DISEASE; NEUROFIBROMATOSIS, TYPE I, SOMATIC; Neurofibromatosis, type I. Identifiers: Orphanet 636, MedGen C0027831, MONDO:0018975, OMIM 162200. Disease mechanism: loss of function.

gnomAD v4.1: 1 of 1,613,840 alleles (0.000062%); highest among the groups gnomAD compares: Non-Finnish European, 0.000085%; no homozygotes.

Submissions (2):

Labcorp Genetics (formerly Invitae), Labcorp
Classification: Uncertain significance for Neurofibromatosis, type 1. Last evaluated: 2024-08-20. Review status: criteria provided, single submitter. Criteria: Invitae Variant Classification Sherloc (09022015). Collection method: clinical testing. Allele origin: germline.
Comment: This sequence change replaces threonine, which is neutral and polar, with alanine, which is neutral and non-polar, at codon 2530 of the NF1 protein (p.Thr2530Ala). This variant is not present in population databases (gnomAD no frequency). This variant has not been reported in the literature in individuals affected with NF1-related conditions. ClinVar contains an entry for this variant (Variation ID: 1439403). Invitae Evidence Modeling of protein sequence and biophysical properties (such as structural, functional, and spatial information, amino acid conservation, physicochemical variation, residue mobility, and thermodynamic stability) indicates that this missense variant is not expected to disrupt NF1 protein function with a negative predictive value of 95%. In summary, the available evidence is currently insufficient to determine the role of this variant in disease. Therefore, it has been classified as a Variant of Uncertain Significance.

Ambry Genetics
Classification: Uncertain significance for Cardiovascular phenotype; Hereditary cancer-predisposing syndrome. Last evaluated: 2021-03-02. Review status: criteria provided, single submitter. Criteria: Ambry Variant Classification Scheme 2023. Collection method: clinical testing. Allele origin: germline.
Comment: The p.T2530A variant (also known as c.7588A>G), located in coding exon 51 of the NF1 gene, results from an A to G substitution at nucleotide position 7588. The threonine at codon 2530 is replaced by alanine, an amino acid with similar properties. This amino acid position is well conserved in available vertebrate species. In addition, this alteration is predicted to be tolerated by in silico analysis. Since supporting evidence is limited at this time, the clinical significance of this alteration remains unclear.